The following is an entry in ClinVar:

ClinVar aggregate classification (germline): Uncertain significance (1 of 4 stars; one submission).

Allele frequency attached by ClinVar (database versions not stated): gnomAD exomes below 0.00001.
gnomAD v4.1: 2 of 1,607,372 alleles (0.00012%); highest among the groups gnomAD compares: Non-Finnish European, 0.00017%; no homozygotes.

Submission:

Labcorp Genetics (formerly Invitae), Labcorp
Classification: Uncertain significance. Last evaluated: 2021-11-30. Review status: criteria provided, single submitter. Criteria: Invitae Variant Classification Sherloc (09022015). Collection method: clinical testing. Allele origin: germline.
Comment: This sequence change falls in intron 17 of the KIAA1549 gene. It does not directly change the encoded amino acid sequence of the KIAA1549 protein. It affects a nucleotide within the consensus splice site. This variant is present in population databases (no rsID available, gnomAD 0.0009%). This variant has not been reported in the literature in individuals affected with KIAA1549-related conditions. Variants that disrupt the consensus splice site are a relatively common cause of aberrant splicing (PMID: 17576681, 9536098). Algorithms developed to predict the effect of sequence changes on RNA splicing suggest that this variant may disrupt the consensus splice site. In summary, the available evidence is currently insufficient to determine the role of this variant in disease. Therefore, it has been classified as a Variant of Uncertain Significance.

Literature cited by the submitters: PubMed 17576681; PubMed 9536098.

NM_001164665.2(KIAA1549):c.5294+4A>G

Gene: KIAA1549 (KIAA1549; minus strand). Cytogenetic location: 7q34.
Variant type: single nucleotide variant.
Coding change: c.5294+4A>G on transcript NM_001164665.2 (MANE Select); 4 bases into the intron after coding-DNA position 5294, A replaced by G.
Molecular consequence: intron variant.
Genome position (GRCh38, 1-based): chr7:138,852,219, T>C on the plus strand (A>G on the coding strand, the complement: KIAA1549 is on the minus strand). VCF-style: chr7-138852219-T-C. GRCh37 (hg19) VCF-style: chr7-138536965-T-C.
Other names: c.5294+4A>G (NM_020910.3).
Identifiers: ClinVar variation 1395920 (VCV001395920.6), dbSNP rs1159635854, ClinGen allele CA578197071.